The following is an entry in ClinVar:

NM_001083962.2(TCF4):c.75G>A (p.Met25Ile)

Gene: TCF4 (transcription factor 4; minus strand). Cytogenetic location: 18q21.2.
Variant type: single nucleotide variant.
Coding change: c.75G>A on transcript NM_001083962.2 (MANE Select); coding-DNA position 75, G replaced by A.
Protein change: p.Met25Ile; replaces methionine 25 with isoleucine.
Molecular consequence: missense variant. On other transcripts: initiator codon variant (18).
Genome position (GRCh38, 1-based): chr18:55,585,350, C>T on the plus strand (G>A on the coding strand, the complement: TCF4 is on the minus strand). VCF-style: chr18-55585350-C-T. GRCh37 (hg19) VCF-style: chr18-53252581-C-T.
Other names: c.381G>A, p.Met127Ile (NM_001243226.3); c.3G>A, p.Met1Ile (NM_001243227.2, NM_001306207.1, NM_001348217.1 and 15 more transcripts); c.75G>A, p.Met25Ile (NM_001243228.2, NM_001330604.3, NM_001369567.1 and 8 more transcripts); c.69G>A, p.Met23Ile (NM_001243230.2); short protein forms M127I, M1I, M23I, M25I.
Identifiers: ClinVar variation 3903389 (VCV003903389.1).
Genomic context (GRCh38, chr18:55,585,350, plus strand): 5'-AAAATGTCCACTTGCCAAAGAAGTTGGTCCATTTTTCCCACTGCTCACAGGAGGTGAAAA[C>T]ATCTAAAAGAAACAAAGAAATATTACAGTTGAAAAGAAGACACTTGTGCCTTCAGAGCTC-3'
Protein context (NP_001077431.1, residues 15-35): ELSDLLDFSA[Met25Ile]FSPPVSSGKN

ClinVar aggregate classification (germline): Uncertain significance (1 of 4 stars; one submission).

Submission:

GeneDx
Classification: Uncertain significance. Last evaluated: 2024-12-10. Review status: criteria provided, single submitter. Criteria: GeneDx Variant Classification Process June 2021. Collection method: clinical testing. Allele origin: germline. Affected: yes.
Comment: Not observed at significant frequency in large population cohorts (gnomAD); In silico analysis supports that this missense variant has a deleterious effect on protein structure/function; Has not been previously published as pathogenic or benign to our knowledge